The following is an entry in ClinVar:

NM_001382273.1(TNK2):c.2170G>A (p.Ala724Thr)

Gene: TNK2 (tyrosine kinase non receptor 2; minus strand). Cytogenetic location: 3q29.
Variant type: single nucleotide variant.
Coding change: c.2170G>A on transcript NM_001382273.1 (MANE Select); coding-DNA position 2170, G replaced by A.
Protein change: p.Ala724Thr; replaces alanine 724 with threonine.
Molecular consequence: missense variant. On other transcripts: non-coding transcript variant (15).
Genome position (GRCh38, 1-based): chr3:195,868,128, C>T on the plus strand (G>A on the coding strand, the complement: TNK2 is on the minus strand). VCF-style: chr3-195868128-C-T. GRCh37 (hg19) VCF-style: chr3-195594999-C-T.
Other names: c.2242G>A, p.Ala748Thr (NM_001010938.2, NM_001382272.1); c.2221G>A, p.Ala741Thr (NM_001308046.2, NM_001382271.1); c.2170G>A, p.Ala724Thr (NM_001382274.1, NM_001387716.1, NM_001387717.1 and 1 more transcripts); c.2266G>A, p.Ala756Thr (NM_001382275.1, NM_001387707.1); c.2125G>A, p.Ala709Thr (NM_001386164.1, NM_001387709.1, NM_001387710.1 and 8 more transcripts); c.2197G>A, p.Ala733Thr (NM_001387708.1, NM_001387715.1); short protein forms A756T, A709T, A733T, A724T, A741T, A748T.
Identifiers: ClinVar variation 4743184 (VCV004743184.1).
Genomic context (GRCh38, chr3:195,868,128, plus strand): 5'-GAGAGGGGGCCGGGGAGCCGGCCGGAGCCTGCAGTTGCCTCATGCACTCCTGCTGTAGCG[C>T]CTGGAAGATCTCTGCGGTCTGTGCGGAGCTGGGCGGCTTGCCCCCACCCTGGGGCGGGAG-3'
Protein context (NP_001369202.1, residues 714-734): SSAQTAEIFQ[Ala724Thr]LQQECMRQLQ

ClinVar aggregate classification (germline): Uncertain significance (1 of 4 stars; one submission).

gnomAD v4.1: 1 of 1,611,698 alleles (0.000062%); highest among the groups gnomAD compares: Admixed American, 0.0017%; no homozygotes.

Submission:

Labcorp Genetics (formerly Invitae), Labcorp
Classification: Uncertain significance. Last evaluated: 2025-05-21. Review status: criteria provided, single submitter. Criteria: Invitae Variant Classification Sherloc (09022015). Collection method: clinical testing. Allele origin: germline.
Comment: This sequence change replaces alanine, which is neutral and non-polar, with threonine, which is neutral and polar, at codon 787 of the TNK2 protein (p.Ala787Thr). This variant is not present in population databases (gnomAD no frequency). This variant has not been reported in the literature in individuals affected with TNK2-related conditions. An algorithm developed to predict the effect of missense changes on protein structure and function (PolyPhen-2) suggests that this variant is likely to be disruptive. In summary, the available evidence is currently insufficient to determine the role of this variant in disease. Therefore, it has been classified as a Variant of Uncertain Significance.